The following is an entry in ClinVar:

ClinVar aggregate classification (germline): Pathogenic (1 of 4 stars; one submission).

Conditions:
Autosomal recessive spastic paraplegia type 78. Identifiers: Orphanet 513436, MedGen C5567893, MONDO:0014975, OMIM 617225.
Kufor-Rakeb syndrome (KRS). Also called: PARKINSON DISEASE 9, AUTOSOMAL RECESSIVE, JUVENILE-ONSET. Identifiers: Orphanet 306674, Orphanet 314632, MedGen C1847640, MONDO:0011706, OMIM 606693.

Submission:

Labcorp Genetics (formerly Invitae), Labcorp
Classification: Pathogenic for Kufor-Rakeb syndrome; Autosomal recessive spastic paraplegia type 78. Last evaluated: 2021-08-04. Review status: criteria provided, single submitter. Criteria: Invitae Variant Classification Sherloc (09022015). Collection method: clinical testing. Allele origin: germline.
Comment: For these reasons, this variant has been classified as Pathogenic. This variant has not been reported in the literature in individuals affected with ATP13A2-related conditions. This variant is a gross deletion of the genomic region encompassing exon(s) 2-6 of the ATP13A2 gene. This deletion is out-of-frame, and is expected to create a premature translational stop signal and result in an absent or disrupted protein product. Loss-of-function variants in ATP13A2 are known to be pathogenic (PMID: 16964263, 21696388).

Literature cited by the submitters: PubMed 16964263; PubMed 21696388.

NC_000001.10:g.(?_17330807)_(17332293_?)del

Gene: ATP13A2 (ATPase cation transporting 13A2; minus strand). Cytogenetic location: 1p36.13.
Variant type: Deletion.
Identifiers: ClinVar variation 1458906 (VCV001458906.5).